The following is an entry in ClinVar:

ClinVar aggregate classification (germline): Uncertain significance. Review status: criteria provided, multiple submitters, no conflicts (2 of 4 stars). 3 submissions from 3 submitters: Uncertain significance (3). Last evaluated 2024-07-30.

Conditions:
Congenital stationary night blindness 2A (CSNB2A). Also called: CACNA1F-Related X-Linked Congenital Stationary Night Blindness; CSNB, INCOMPLETE, X-LINKED; NIGHT BLINDNESS, CONGENITAL STATIONARY, TYPE 2; Night blindness, congenital stationary (incomplete), 2A, X-linked. Identifiers: Orphanet 215, MedGen C1848172, MONDO:0010241, OMIM 300071.

Allele frequency attached by ClinVar (database versions not stated): gnomAD exomes 0.00001 and 0.00002; ExAC 0.00003; TOPMed 0.00004; gnomAD 0.00005 and 0.00006; ESP Exome Variant Server 0.00028.
gnomAD v4.1: 22 of 1,203,331 alleles (0.0018%); highest among the groups gnomAD compares: African/African-American, 0.026%; no homozygotes.

Submissions (3):

Labcorp Genetics (formerly Invitae), Labcorp
Classification: Uncertain significance. Last evaluated: 2024-07-30. Review status: criteria provided, single submitter. Criteria: Invitae Variant Classification Sherloc (09022015). Collection method: clinical testing. Allele origin: germline.
Comment: This sequence change replaces glutamic acid, which is acidic and polar, with alanine, which is neutral and non-polar, at codon 1640 of the CACNA1F protein (p.Glu1640Ala). This variant is present in population databases (rs376524533, gnomAD 0.02%). This variant has not been reported in the literature in individuals affected with CACNA1F-related conditions. ClinVar contains an entry for this variant (Variation ID: 1009129). An algorithm developed to predict the effect of missense changes on protein structure and function (PolyPhen-2) suggests that this variant is likely to be tolerated. In summary, the available evidence is currently insufficient to determine the role of this variant in disease. Therefore, it has been classified as a Variant of Uncertain Significance.

Genetics and Molecular Pathology, SA Pathology
Classification: Uncertain significance for Congenital stationary night blindness 2A. Last evaluated: 2022-05-02. Review status: criteria provided, single submitter. Criteria: ACMG Guidelines, 2015. Collection method: clinical testing. Allele origin: germline. Affected: yes.

Blueprint Genetics
Classification: Uncertain significance. Last evaluated: 2021-11-22. Review status: criteria provided, single submitter. Criteria: ACMG Guidelines, 2015. Collection method: clinical testing. Allele origin: germline.

NM_001256789.3(CACNA1F):c.4886A>C (p.Glu1629Ala)

Genes: CACNA1F (calcium voltage-gated channel subunit alpha1 F; minus strand), LOC126863257 (BRD4-independent group 4 enhancer GRCh37_chrX:49065732-49066931; plus strand). Cytogenetic location: Xp11.23.
Variant type: single nucleotide variant.
Coding change: c.4886A>C on transcript NM_001256789.3 (MANE Select); coding-DNA position 4886, A replaced by C.
Protein change: p.Glu1629Ala; replaces glutamic acid 1629 with alanine.
Molecular consequence: missense variant.
Genome position (GRCh38, 1-based): chrX:49,209,329, T>G on the plus strand (A>C on the coding strand, the complement: CACNA1F is on the minus strand). VCF-style: chrX-49209329-T-G. GRCh37 (hg19) VCF-style: chrX-49065789-T-G.
Other names: c.4724A>C, p.Glu1575Ala (NM_001256790.3); c.4919A>C, p.Glu1640Ala (NM_005183.4); short protein forms E1575A, E1629A, E1640A.
Identifiers: ClinVar variation 1009129 (VCV001009129.12), dbSNP rs376524533, ClinGen allele CA10410095.